The following is an entry in ClinVar:

NM_004370.6(COL12A1):c.3888G>C (p.Met1296Ile)

Gene: COL12A1 (collagen type XII alpha 1 chain; minus strand). Cytogenetic location: 6q13.
Variant type: single nucleotide variant.
Coding change: c.3888G>C on transcript NM_004370.6 (MANE Select); coding-DNA position 3888, G replaced by C.
Protein change: p.Met1296Ile; replaces methionine 1296 with isoleucine.
Molecular consequence: missense variant.
Genome position (GRCh38, 1-based): chr6:75,151,979, C>G on the plus strand (G>C on the coding strand, the complement: COL12A1 is on the minus strand). VCF-style: chr6-75151979-C-G. GRCh37 (hg19) VCF-style: chr6-75861695-C-G.
Other names: c.3888G>C, p.Met1296Ile (NM_001424113.1, NM_001424114.1); c.3615G>C, p.Met1205Ile (NM_001424115.1); c.396G>C, p.Met132Ile (NM_001424116.1, NM_080645.3); short protein forms M1205I, M1296I, M132I.
Identifiers: ClinVar variation 3756697 (VCV003756697.2).

ClinVar aggregate classification (germline): Uncertain significance (1 of 4 stars; one submission).

Conditions:
Ullrich congenital muscular dystrophy 2 (UCMD2). Identifiers: Orphanet 75840, MedGen C4225314, MONDO:0014654, OMIM 616470.
Bethlem myopathy 2 (BTHLM2). Identifiers: Orphanet 536516, Orphanet 610, MedGen C4225313, MONDO:0034022, OMIM 616471.

Submission:

Labcorp Genetics (formerly Invitae), Labcorp
Classification: Uncertain significance for Bethlem myopathy 2; Ullrich congenital muscular dystrophy 2. Last evaluated: 2024-06-23. Review status: criteria provided, single submitter. Criteria: Invitae Variant Classification Sherloc (09022015). Collection method: clinical testing. Allele origin: germline.
Comment: This sequence change replaces methionine, which is neutral and non-polar, with isoleucine, which is neutral and non-polar, at codon 1296 of the COL12A1 protein (p.Met1296Ile). This variant is not present in population databases (gnomAD no frequency). This variant has not been reported in the literature in individuals affected with COL12A1-related conditions. Advanced modeling of protein sequence and biophysical properties (such as structural, functional, and spatial information, amino acid conservation, physicochemical variation, residue mobility, and thermodynamic stability) performed at Invitae indicates that this missense variant is not expected to disrupt COL12A1 protein function with a negative predictive value of 80%. In summary, the available evidence is currently insufficient to determine the role of this variant in disease. Therefore, it has been classified as a Variant of Uncertain Significance.